The following is an entry in ClinVar:

ClinVar aggregate classification (germline): Uncertain significance (1 of 4 stars; one submission).

gnomAD v4.1: 3 of 1,614,056 alleles (0.00019%); highest among the groups gnomAD compares: Middle Eastern, 0.016%; no homozygotes.

Submission:

GeneDx
Classification: Uncertain significance. Last evaluated: 2024-11-04. Review status: criteria provided, single submitter. Criteria: GeneDx Variant Classification Process June 2021. Collection method: clinical testing. Allele origin: germline. Affected: yes.
Comment: Not observed at significant frequency in large population cohorts (gnomAD); In silico analysis indicates that this missense variant does not alter protein structure/function; Has not been previously published as pathogenic or benign to our knowledge

NM_016343.4(CENPF):c.2348G>A (p.Ser783Asn)

Gene: CENPF (centromere protein F; plus strand). Cytogenetic location: 1q41.
Variant type: single nucleotide variant.
Coding change: c.2348G>A on transcript NM_016343.4 (MANE Select); coding-DNA position 2348, G replaced by A.
Protein change: p.Ser783Asn; replaces serine 783 with asparagine.
Molecular consequence: missense variant.
Genome position (GRCh38, 1-based): chr1:214,640,686, G>A. VCF-style: chr1-214640686-G-A. GRCh37 (hg19) VCF-style: chr1-214814029-G-A.
Other names: short protein forms S783N.
Identifiers: ClinVar variation 3898915 (VCV003898915.1).